The following is an entry in ClinVar:

NM_000240.4(MAOA):c.118T>G (p.Leu40Val)

Gene: MAOA (monoamine oxidase A; plus strand). Cytogenetic location: Xp11.3.
Variant type: single nucleotide variant.
Coding change: c.118T>G on transcript NM_000240.4 (MANE Select); coding-DNA position 118, T replaced by G.
Protein change: p.Leu40Val; replaces leucine 40 with valine.
Molecular consequence: missense variant. On other transcripts: 5 prime UTR variant (1).
Genome position (GRCh38, 1-based): chrX:43,683,557, T>G. VCF-style: chrX-43683557-T-G. GRCh37 (hg19) VCF-style: chrX-43542805-T-G.
Other names: c.-282T>G (NM_001270458.2); short protein forms L40V.
Identifiers: ClinVar variation 3573497 (VCV003573497.1).

ClinVar aggregate classification (germline): Uncertain significance (1 of 4 stars; one submission).

Submission:

GeneDx
Classification: Uncertain significance. Last evaluated: 2024-07-16. Review status: criteria provided, single submitter. Criteria: GeneDx Variant Classification Process June 2021. Collection method: clinical testing. Allele origin: germline. Affected: yes.
Comment: Not observed at significant frequency in large population cohorts (gnomAD); In silico analysis indicates that this missense variant does not alter protein structure/function; Has not been previously published as pathogenic or benign to our knowledge